The following is an entry in ClinVar:

ClinVar aggregate classification (germline): Uncertain significance (1 of 4 stars; one submission).

Submission:

GeneDx
Classification: Uncertain significance. Last evaluated: 2025-04-30. Review status: criteria provided, single submitter. Criteria: GeneDx Variant Classification Process June 2021. Collection method: clinical testing. Allele origin: germline. Affected: yes.
Comment: Not observed at significant frequency in large population cohorts (gnomAD); In silico analysis supports that this missense variant has a deleterious effect on protein structure/function; Has not been previously published as pathogenic or benign to our knowledge

NM_001200.4(BMP2):c.1159G>A (p.Asp387Asn)

Gene: BMP2 (bone morphogenetic protein 2; plus strand). Cytogenetic location: 20p12.3.
Variant type: single nucleotide variant.
Coding change: c.1159G>A on transcript NM_001200.4 (MANE Select); coding-DNA position 1159, G replaced by A.
Protein change: p.Asp387Asn; replaces aspartic acid 387 with asparagine.
Molecular consequence: missense variant.
Genome position (GRCh38, 1-based): chr20:6,779,057, G>A. VCF-style: chr20-6779057-G-A. GRCh37 (hg19) VCF-style: chr20-6759704-G-A.
Other names: short protein forms D387N.
Identifiers: ClinVar variation 4527836 (VCV004527836.1).